The following is an entry in ClinVar:

NM_001394372.1(BICRA):c.2589C>T (p.Arg863=)

Gene: BICRA (BRD4 interacting chromatin remodeling complex associated protein; plus strand). Cytogenetic location: 19q13.33.
Variant type: single nucleotide variant.
Coding change: c.2589C>T on transcript NM_001394372.1 (MANE Select); coding-DNA position 2589, C replaced by T.
Protein change: p.Arg863=; no amino-acid change (arginine 863 retained).
Molecular consequence: synonymous variant.
Genome position (GRCh38, 1-based): chr19:47,694,420, C>T. VCF-style: chr19-47694420-C-T. GRCh37 (hg19) VCF-style: chr19-48197677-C-T.
Other names: c.2589C>T, p.Arg863= (NM_015711.3).
Identifiers: ClinVar variation 4823099 (VCV004823099.4).
Genomic context (GRCh38, chr19:47,694,420, plus strand): 5'-TCCCCCGCCTGCCAGCAACCCGGCCCCTACTGCCCCAGGCCCGCCGCAGCCGCCTCTCCG[C>T]CCCCAGTCCCAGCCGCCTGAGGGACCGCTGCCCCCAGCCCCCCACCTCCCTCCATCCTCC-3'
Protein context (NP_001381301.1, residues 853-873): TAPGPPQPPL[Arg863=]PQSQPPEGPL

ClinVar aggregate classification (germline): Likely benign (1 of 4 stars; one submission).

gnomAD v4.1: 21 of 1,051,542 alleles (0.002%); highest among the groups gnomAD compares: South Asian, 0.013%; no homozygotes.

Submission:

CeGaT Center for Human Genetics Tuebingen
Classification: Likely benign. Last evaluated: 2026-01-01. Review status: criteria provided, single submitter. Criteria: CeGaT Center For Human Genetics Tuebingen Variant Classification Criteria Version 2. Collection method: clinical testing. Allele origin: germline. Affected: yes. Observed: 1 variant allele.
Comment: BICRA: BP4, BP7